The following is an entry in ClinVar:

NM_001739.2(CA5A):c.459+1G>C

Gene: CA5A (carbonic anhydrase 5A; minus strand). Cytogenetic location: 16q24.2.
Variant type: single nucleotide variant.
Coding change: c.459+1G>C on transcript NM_001739.2 (MANE Select); the canonical splice donor site of the intron after coding-DNA position 459, G replaced by C.
Molecular consequence: splice donor variant.
Genome position (GRCh38, 1-based): chr16:87,904,785, C>G on the plus strand (G>C on the coding strand, the complement: CA5A is on the minus strand). VCF-style: chr16-87904785-C-G. GRCh37 (hg19) VCF-style: chr16-87938391-C-G.
Other names: c.459+1G>C (NM_001367225.1).
Identifiers: ClinVar variation 3670993 (VCV003670993.2).

ClinVar aggregate classification (germline): Likely pathogenic (1 of 4 stars; one submission).

Conditions:
Hyperammonemic encephalopathy due to carbonic anhydrase VA deficiency. Also called: Carbonic Anhydrase VA Deficiency; Carbonic anhydrase VA deficiency, hyperammonemia due to. Identifiers: Orphanet 401948, MedGen C4706871, MONDO:0014332, OMIM 615751.

Submission:

Labcorp Genetics (formerly Invitae), Labcorp
Classification: Likely pathogenic for Hyperammonemic encephalopathy due to carbonic anhydrase VA deficiency. Last evaluated: 2024-08-27. Review status: criteria provided, single submitter. Criteria: Invitae Variant Classification Sherloc (09022015). Collection method: clinical testing. Allele origin: germline.
Comment: This sequence change affects a donor splice site in intron 3 of the CA5A gene. It is expected to disrupt RNA splicing. Variants that disrupt the donor or acceptor splice site typically lead to a loss of protein function (PMID: 16199547), and loss-of-function variants in CA5A are known to be pathogenic (PMID: 24530203, 26913920). This variant is not present in population databases (gnomAD no frequency). This variant has not been reported in the literature in individuals affected with CA5A-related conditions. Algorithms developed to predict the effect of sequence changes on RNA splicing suggest that this variant may disrupt the consensus splice site. In summary, the currently available evidence indicates that the variant is pathogenic, but additional data are needed to prove that conclusively. Therefore, this variant has been classified as Likely Pathogenic.

Literature cited by the submitters: PubMed 16199547; PubMed 24530203; PubMed 26913920.